The following is an entry in ClinVar:

ClinVar aggregate classification (germline): Uncertain significance (1 of 4 stars; one submission).

Submission:

GeneDx
Classification: Uncertain significance. Last evaluated: 2021-04-13. Review status: criteria provided, single submitter. Criteria: GeneDx Variant Classification Process June 2021. Collection method: clinical testing. Allele origin: germline. Affected: yes.
Comment: Has not been previously published as pathogenic or benign to our knowledge; Not observed in large population cohorts (Lek et al., 2016); In silico analysis supports that this missense variant has a deleterious effect on protein structure/function; Does not affect a cysteine residue within a calcium-binding EGF-like domain of the FBN2 gene; cysteine substitutions in the calcium-binding EGF-like domains represent the majority of pathogenic missense changes associated with FBN2-related disorders (Frederic et al., 2009).

NM_001999.4(FBN2):c.734G>C (p.Arg245Pro)

Gene: FBN2 (fibrillin 2; minus strand). Cytogenetic location: 5q23.3.
Variant type: single nucleotide variant.
Coding change: c.734G>C on transcript NM_001999.4 (MANE Select); coding-DNA position 734, G replaced by C.
Protein change: p.Arg245Pro; replaces arginine 245 with proline.
Molecular consequence: missense variant.
Genome position (GRCh38, 1-based): chr5:128,464,816, C>G on the plus strand (G>C on the coding strand, the complement: FBN2 is on the minus strand). VCF-style: chr5-128464816-C-G. GRCh37 (hg19) VCF-style: chr5-127800509-C-G.
Other names: short protein forms R245P.
Identifiers: ClinVar variation 1314766 (VCV001314766.2), dbSNP rs747507457, ClinGen allele CA360755118.
Genomic context (GRCh38, chr5:128,464,816, plus strand): 5'-AAACCCCGTCGGCAGGGCTGAGGCTGGGCTGGACACATCTCACAGGGATGGCCCCACGCC[C>G]GTCCAATGGTGGCACAGCACAGAGTCTTCGTGCAGACAATGCCTGTCAGCTGCCCTTGGC-3'
Protein context (NP_001990.2, residues 235-255): TKTLCCATIG[Arg245Pro]AWGHPCEMCP